The following is an entry in ClinVar:

NM_017514.5(PLXNA3):c.1057A>G (p.Ile353Val)

Gene: PLXNA3 (plexin A3; plus strand). Cytogenetic location: Xq28.
Variant type: single nucleotide variant.
Coding change: c.1057A>G on transcript NM_017514.5 (MANE Select); coding-DNA position 1057, A replaced by G.
Protein change: p.Ile353Val; replaces isoleucine 353 with valine.
Molecular consequence: missense variant.
Genome position (GRCh38, 1-based): chrX:154,461,561, A>G. VCF-style: chrX-154461561-A-G. GRCh37 (hg19) VCF-style: chrX-153689901-A-G.
Other names: c.1057A>G (NM_017514.3); short protein forms I353V.
Identifiers: ClinVar variation 2634224 (VCV002634224.5), dbSNP rs368827077, ClinGen allele CA10563894.

ClinVar aggregate classification (germline): Uncertain significance. Review status: criteria provided, multiple submitters, no conflicts (2 of 4 stars). 2 submissions from 2 submitters: Uncertain significance (2). Last evaluated 2026-02-16.

Conditions:
PLXNA3-related disorder. Also called: PLXNA3-related condition.

Allele frequency attached by ClinVar (database versions not stated): gnomAD exomes below 0.00001; gnomAD 0.00004; ExAC 0.00005; TOPMed 0.00008; ESP Exome Variant Server 0.00019.
gnomAD v4.1: 8 of 1,207,820 alleles (0.00066%); highest among the groups gnomAD compares: African/African-American, 0.012%; no homozygotes.

Submissions (2):

PreventionGenetics, part of Exact Sciences
Classification: Uncertain significance for PLXNA3-related condition. Last evaluated: 2026-02-16. Review status: criteria provided, single submitter. Criteria: ACMG Guidelines, 2015. Collection method: clinical testing. Allele origin: germline.
Comment: The PLXNA3 c.1057A>G variant is predicted to result in the amino acid substitution p.Ile353Val. To our knowledge, this variant has not been reported in the literature. This variant is reported in 0.031% of alleles in individuals of African descent in gnomAD. At this time, the clinical significance of this variant is uncertain due to the absence of conclusive functional and genetic evidence.

Ambry Genetics
Classification: Uncertain significance. Last evaluated: 2024-02-13. Review status: criteria provided, single submitter. Criteria: Ambry Variant Classification Scheme 2023. Collection method: clinical testing. Allele origin: germline.